The following is an entry in ClinVar:

NM_001048166.1(STIL):c.1848G>A (p.Pro616=)

Gene: STIL (STIL centriolar assembly protein; minus strand). Cytogenetic location: 1p33.
Variant type: single nucleotide variant.
Coding change: c.1848G>A on transcript NM_001048166.1 (MANE Select); coding-DNA position 1848, G replaced by A.
Protein change: p.Pro616=; no amino-acid change (proline 616 retained).
Molecular consequence: synonymous variant.
Genome position (GRCh38, 1-based): chr1:47,280,610, C>T on the plus strand (G>A on the coding strand, the complement: STIL is on the minus strand). VCF-style: chr1-47280610-C-T. GRCh37 (hg19) VCF-style: chr1-47746282-C-T.
Other names: c.1848G>A, p.Pro616= (NM_001282936.1, NM_001282937.1, NM_003035.2); c.1707G>A, p.Pro569= (NM_001282938.1, NM_001282939.1).
Identifiers: ClinVar variation 711258 (VCV000711258.38), dbSNP rs530746969, ClinGen allele CA842280.

ClinVar aggregate classification (germline): Likely benign. Review status: criteria provided, multiple submitters, no conflicts (2 of 4 stars). 2 submissions from 2 submitters: Likely benign (2). Last evaluated 2026-01-15.

Allele frequency attached by ClinVar (database versions not stated): gnomAD exomes 0.00006 and 0.00007; gnomAD 0.00007 and 0.00020; ExAC 0.00008; TOPMed 0.00027.
gnomAD v4.1: 123 of 1,614,064 alleles (0.0076%); highest among the groups gnomAD compares: Admixed American, 0.0083%; no homozygotes.

Submissions (2):

Labcorp Genetics (formerly Invitae), Labcorp
Classification: Likely benign. Last evaluated: 2026-01-15. Review status: criteria provided, single submitter. Criteria: Invitae Variant Classification Sherloc (09022015). Collection method: clinical testing. Allele origin: germline.

CeGaT Center for Human Genetics Tuebingen
Classification: Likely benign. Last evaluated: 2022-06-01. Review status: criteria provided, single submitter. Criteria: CeGaT Center For Human Genetics Tuebingen Variant Classification Criteria Version 2. Collection method: clinical testing. Allele origin: germline. Affected: yes. Observed: 1 variant allele.
Comment: STIL: BP4, BP7